The following is an entry in ClinVar:

NM_001365536.1(SCN9A):c.4883A>G (p.Lys1628Arg)

Genes: SCN1A-AS1 (SCN1A and SCN9A antisense RNA 1; plus strand), SCN9A (sodium voltage-gated channel alpha subunit 9; minus strand). Cytogenetic location: 2q24.3.
Variant type: single nucleotide variant.
Coding change: c.4883A>G on transcript NM_001365536.1 (MANE Select); coding-DNA position 4883, A replaced by G.
Protein change: p.Lys1628Arg; replaces lysine 1628 with arginine.
Molecular consequence: missense variant. On other transcripts: non-coding transcript variant (1).
Genome position (GRCh38, 1-based): chr2:166,199,756, T>C on the plus strand (A>G on the coding strand, the complement: SCN9A is on the minus strand). VCF-style: chr2-166199756-T-C. GRCh37 (hg19) VCF-style: chr2-167056266-T-C.
Other names: c.4850A>G, p.Lys1617Arg (NM_002977.4); short protein forms K1617R, K1628R.
Identifiers: ClinVar variation 1931140 (VCV001931140.5), dbSNP rs1398222209, ClinGen allele CA349055272.

ClinVar aggregate classification (germline): Uncertain significance (1 of 4 stars; one submission).

Conditions:
Generalized epilepsy with febrile seizures plus, type 7 (GEFSP7). Also called: GEFS+, TYPE 7. Identifiers: Orphanet 36387, MedGen C2751778, MONDO:0013470, OMIM 613863.
Neuropathy, hereditary sensory and autonomic, type 2A (HSAN2A). Also called: ACROOSTEOLYSIS, GIACCAI TYPE; ACROOSTEOLYSIS, NEUROGENIC; WNK1-Related HSAN2 (HSAN2A); MORVAN DISEASE; NEUROPATHY, CONGENITAL SENSORY; NEUROPATHY, HEREDITARY SENSORY RADICULAR, AUTOSOMAL RECESSIVE. Identifiers: Orphanet 970, MedGen C2752089, MONDO:0024309, OMIM 201300.

Allele frequency attached by ClinVar (database versions not stated): TOPMed below 0.00001.

Submission:

Labcorp Genetics (formerly Invitae), Labcorp
Classification: Uncertain significance for Neuropathy, hereditary sensory and autonomic, type 2A; Generalized epilepsy with febrile seizures plus, type 7. Last evaluated: 2022-06-20. Review status: criteria provided, single submitter. Criteria: Invitae Variant Classification Sherloc (09022015). Collection method: clinical testing. Allele origin: germline.
Comment: In summary, the available evidence is currently insufficient to determine the role of this variant in disease. Therefore, it has been classified as a Variant of Uncertain Significance. Algorithms developed to predict the effect of missense changes on protein structure and function (SIFT, PolyPhen-2, Align-GVGD) all suggest that this variant is likely to be disruptive. This variant has not been reported in the literature in individuals affected with SCN9A-related conditions. This variant is not present in population databases (gnomAD no frequency). This sequence change replaces lysine, which is basic and polar, with arginine, which is basic and polar, at codon 1617 of the SCN9A protein (p.Lys1617Arg).